The following is an entry in ClinVar:

ClinVar aggregate classification (germline): Uncertain significance (1 of 4 stars; one submission).

Submission:

GeneDx
Classification: Uncertain significance. Last evaluated: 2025-03-03. Review status: criteria provided, single submitter. Criteria: GeneDx Variant Classification Process June 2021. Collection method: clinical testing. Allele origin: germline. Affected: yes.
Comment: Not observed at significant frequency in large population cohorts (gnomAD); In silico analysis indicates that this missense variant does not alter protein structure/function; Has not been previously published as pathogenic or benign to our knowledge

NM_001378452.1(ITPR1):c.3899G>A (p.Arg1300Lys)

Gene: ITPR1 (inositol 1,4,5-trisphosphate receptor type 1; plus strand). Cytogenetic location: 3p26.1.
Variant type: single nucleotide variant.
Coding change: c.3899G>A on transcript NM_001378452.1 (MANE Select); coding-DNA position 3899, G replaced by A.
Protein change: p.Arg1300Lys; replaces arginine 1300 with lysine.
Molecular consequence: missense variant.
Genome position (GRCh38, 1-based): chr3:4,691,214, G>A. VCF-style: chr3-4691214-G-A. GRCh37 (hg19) VCF-style: chr3-4732898-G-A.
Other names: c.3872G>A, p.Arg1291Lys (NM_001099952.4); c.3854G>A, p.Arg1285Lys (NM_001168272.2); c.3827G>A, p.Arg1276Lys (NM_002222.7); short protein forms R1276K, R1285K, R1291K, R1300K.
Identifiers: ClinVar variation 4082823 (VCV004082823.1).